The following is an entry in ClinVar:

NM_004928.3(CFAP410):c.696G>A (p.Leu232=)

Gene: CFAP410 (cilia and flagella associated protein 410; minus strand). Cytogenetic location: 21q22.3.
Variant type: single nucleotide variant.
Coding change: c.696G>A on transcript NM_004928.3 (MANE Select); coding-DNA position 696, G replaced by A.
Protein change: p.Leu232=; no amino-acid change (leucine 232 retained).
Molecular consequence: synonymous variant.
Genome position (GRCh38, 1-based): chr21:44,330,273, C>T on the plus strand (G>A on the coding strand, the complement: CFAP410 is on the minus strand). VCF-style: chr21-44330273-C-T. GRCh37 (hg19) VCF-style: chr21-45750156-C-T.
Other names: c.693G>A, p.Leu231= (NM_001271440.2); c.1053G>A, p.Leu351= (NM_001271441.2); c.570G>A, p.Leu190= (NM_001271442.1).
Identifiers: ClinVar variation 2652743 (VCV002652743.24), dbSNP rs2518039404, ClinGen allele CA512670408.

ClinVar aggregate classification (germline): Likely benign (1 of 4 stars; one submission).

Submission:

CeGaT Center for Human Genetics Tuebingen
Classification: Likely benign. Last evaluated: 2023-01-01. Review status: criteria provided, single submitter. Criteria: CeGaT Center For Human Genetics Tuebingen Variant Classification Criteria Version 2. Collection method: clinical testing. Allele origin: germline. Affected: yes. Observed: 1 variant allele.
Comment: CFAP410: PM2:Supporting, BP4, BP7